The following is an entry in ClinVar:

ClinVar aggregate classification (germline): Pathogenic. Review status: criteria provided, single submitter (1 of 4 stars). 2 submissions from 2 submitters: Pathogenic (1). 1 of the submissions does not count toward it. Last evaluated 2022-07-14.

Conditions:
Immunodeficiency 93 and hypertrophic cardiomyopathy (IMD93). Identifiers: MedGen C5676899, OMIM 619705, MONDO:0030528.

gnomAD v4.1: 2 of 1,613,088 alleles (0.00012%); highest among the groups gnomAD compares: Non-Finnish European, 0.000085%; no homozygotes.

Submissions (2):

GeneDx
Classification: Pathogenic. Last evaluated: 2022-07-14. Review status: criteria provided, single submitter. Criteria: GeneDx Variant Classification Process June 2021. Collection method: clinical testing. Allele origin: germline. Affected: yes.
Comment: Nonsense variant predicted to result in protein truncation or nonsense mediated decay in a gene for which loss of function is a known mechanism of disease; Not observed at significant frequency in large population cohorts (gnomAD); This variant is associated with the following publications: (PMID: 32905580)

OMIM
Classification: Pathogenic for IMMUNODEFICIENCY 93 AND HYPERTROPHIC CARDIOMYOPATHY. Last evaluated: 2022-01-24. Review status: no assertion criteria provided. Collection method: literature only. Allele origin: germline. Not counted in ClinVar's aggregate classification.

Literature cited by the submitters: PubMed 32905580 (cited by OMIM).

NM_133372.3(FNIP1):c.868C>T (p.Arg290Ter)

Gene: FNIP1 (folliculin interacting protein 1; minus strand). Cytogenetic location: 5q31.1.
Variant type: single nucleotide variant.
Coding change: c.868C>T on transcript NM_133372.3 (MANE Select); coding-DNA position 868, C replaced by T.
Protein change: p.Arg290Ter; replaces arginine 290 with a stop codon.
Molecular consequence: nonsense.
Genome position (GRCh38, 1-based): chr5:131,706,457, G>A on the plus strand (C>T on the coding strand, the complement: FNIP1 is on the minus strand). VCF-style: chr5-131706457-G-A. GRCh37 (hg19) VCF-style: chr5-131042150-G-A.
Other names: c.784C>T, p.Arg262Ter (NM_001008738.3); c.868C>T, p.Arg290Ter (NM_001346113.2); c.733C>T, p.Arg245Ter (NM_001346114.2); short protein forms R290*, R245*, R262*.
Identifiers: ClinVar variation 1335873 (VCV001335873.3), dbSNP rs2149534097, ClinGen allele CA360800181.
Genomic context (GRCh38, chr5:131,706,457, plus strand): 5'-AAGTTCCAACTTACCATCTAGGAAATACCCCATTTTCCAAACTTGTTGTTTGGCTGCGTC[G>A]CCAACGTCGCTGGTAGCTGCTGGCACAACTTCGGGTAAGTGAGGAGTTTGGGGAAGGAAA-3'